The following is an entry in ClinVar:

NM_001848.3(COL6A1):c.330C>T (p.Arg110=)

Gene: COL6A1 (collagen type VI alpha 1 chain; plus strand). Cytogenetic location: 21q22.3.
Variant type: single nucleotide variant.
Coding change: c.330C>T on transcript NM_001848.3 (MANE Select); coding-DNA position 330, C replaced by T.
Protein change: p.Arg110=; no amino-acid change (arginine 110 retained).
Molecular consequence: synonymous variant.
Genome position (GRCh38, 1-based): chr21:45,984,371, C>T. VCF-style: chr21-45984371-C-T. GRCh37 (hg19) VCF-style: chr21-47404285-C-T.
Other names: p.Arg110=; c.330C>T (NM_001848.2).
Identifiers: ClinVar variation 1094370 (VCV001094370.9), dbSNP rs564528164, ClinGen allele CA10069529.

ClinVar aggregate classification (germline): Likely benign. Review status: criteria provided, multiple submitters, no conflicts (2 of 4 stars). 3 submissions from 3 submitters: Likely benign (3). Last evaluated 2026-06-22.

Conditions:
Bethlem myopathy 1A. Also called: MYOPATHY, BENIGN CONGENITAL, WITH CONTRACTURES; Bethlem myopathy 1; Bethlem Muscular Dystrophy. Identifiers: Orphanet 610, MedGen CN029274, MONDO:0024530, OMIM 158810.
COL6A1-related disorder. Also called: COL6A1-related condition.

Allele frequency attached by ClinVar (database versions not stated): TOPMed below 0.00001; gnomAD 0.00001; gnomAD exomes 0.00001; ExAC 0.00002.
gnomAD v4.1: 13 of 1,612,692 alleles (0.00081%); highest among the groups gnomAD compares: African/African-American, 0.004%; no homozygotes.

Submissions (3):

PreventionGenetics, part of Exact Sciences
Classification: Likely benign for COL6A1-related condition. Last evaluated: 2026-06-22. Review status: criteria provided, single submitter. Criteria: ACMG Guidelines, 2015. Collection method: clinical testing. Allele origin: germline.
Comment: This variant is classified as likely benign based on ACMG/AMP sequence variant interpretation guidelines (Richards et al. 2015 PMID: 25741868, with internal and published modifications).

Mayo Clinic Laboratories, Mayo Clinic
Classification: Likely benign. Last evaluated: 2025-06-13. Review status: criteria provided, single submitter. Criteria: ACMG Guidelines, 2015. Collection method: clinical testing. Allele origin: germline. Observed: 1 variant allele.
Comment: BP4, BP7

Labcorp Genetics (formerly Invitae), Labcorp
Classification: Likely benign for Bethlem myopathy 1A. Last evaluated: 2024-09-04. Review status: criteria provided, single submitter. Criteria: Invitae Variant Classification Sherloc (09022015). Collection method: clinical testing. Allele origin: germline.